The following is an entry in ClinVar:

NM_001267550.2(TTN):c.37040-1G>A

Gene: TTN (titin; minus strand). Cytogenetic location: 2q31.2.
Variant type: single nucleotide variant.
Coding change: c.37040-1G>A on transcript NM_001267550.2 (MANE Select); the canonical splice acceptor site of the intron before coding-DNA position 37040, G replaced by A.
Molecular consequence: splice acceptor variant. On other transcripts: intron variant (5).
Genome position (GRCh38, 1-based): chr2:178,662,223, C>T on the plus strand (G>A on the coding strand, the complement: TTN is on the minus strand). VCF-style: chr2-178662223-C-T. GRCh37 (hg19) VCF-style: chr2-179526950-C-T.
Other names: c.13283-19906G>A (NM_003319.4); c.13859-19906G>A (NM_133437.4); c.13658-19906G>A (NM_133432.3); c.31573+743G>A (NM_133378.4); c.34354+743G>A (NM_001256850.1).
Identifiers: ClinVar variation 4958489 (VCV004958489.2).

ClinVar aggregate classification (germline): Conflicting classifications of pathogenicity. Review status: criteria provided, conflicting classifications (1 of 4 stars). 2 submissions from 2 submitters: Likely pathogenic (1); Uncertain significance (1). Last evaluated 2025-06-06.

Conditions:
TTN-related disorder. Also called: TTN-related disorders; TTN-related condition; TTN-related disease.

Submissions (2):

PreventionGenetics, part of Exact Sciences
Classification: Likely pathogenic for TTN-related condition. Last evaluated: 2025-06-06. Review status: criteria provided, single submitter. Criteria: ACMG Guidelines, 2015. Collection method: clinical testing. Allele origin: germline.
Comment: The TTN c.37040-1G>A variant is predicted to disrupt the AG splice acceptor site and interfere with normal splicing. This variant was previously reported, along with a truncating variant, in an individual with a suspected titinopathy (supplementary data, Savarese et al. 2020. PubMed ID: 32778822). If this nucleotide change leads to loss of the canonical donor splice site, it could lead to exon skipping and an in-frame deletion. To our knowledge, this variant has not been reported in a large population database (gnomAD), indicating this variant is rare. At this time, the clinical significance of this variant is uncertain due to the absence of conclusive functional and genetic evidence.

Blueprint Genetics
Classification: Uncertain significance. Last evaluated: 2024-06-18. Review status: criteria provided, single submitter. Criteria: ACMG Guidelines, 2015. Collection method: clinical testing. Allele origin: germline.